The following is an entry in ClinVar:

ClinVar aggregate classification (germline): Uncertain significance. Review status: criteria provided, multiple submitters, no conflicts (2 of 4 stars). 2 submissions from 2 submitters: Uncertain significance (2). Last evaluated 2025-12-28.

Conditions:
TNFAIP3-related disorder. Also called: TNFAIP3-related condition.

gnomAD v4.1: 66 of 1,614,034 alleles (0.0041%); highest among the groups gnomAD compares: Non-Finnish European, 0.0055%; no homozygotes.

Submissions (2):

Labcorp Genetics (formerly Invitae), Labcorp
Classification: Uncertain significance. Last evaluated: 2025-12-28. Review status: criteria provided, single submitter. Criteria: Invitae Variant Classification Sherloc (09022015). Collection method: clinical testing. Allele origin: germline.
Comment: This sequence change replaces threonine, which is neutral and polar, with methionine, which is neutral and non-polar, at codon 604 of the TNFAIP3 protein (p.Thr604Met). This variant is present in population databases (rs564646155, gnomAD 0.006%). This variant has not been reported in the literature in individuals affected with TNFAIP3-related conditions. ClinVar contains an entry for this variant (Variation ID: 1909809). Invitae Evidence Modeling of protein sequence and biophysical properties (such as structural, functional, and spatial information, amino acid conservation, physicochemical variation, residue mobility, and thermodynamic stability) indicates that this missense variant is not expected to disrupt TNFAIP3 protein function with a negative predictive value of 80%. In summary, the available evidence is currently insufficient to determine the role of this variant in disease. Therefore, it has been classified as a Variant of Uncertain Significance.

PreventionGenetics, part of Exact Sciences
Classification: Uncertain significance for TNFAIP3-related condition. Last evaluated: 2023-04-11. Review status: criteria provided, single submitter. Criteria: ACMG Guidelines, 2015. Collection method: clinical testing. Allele origin: germline.
Comment: The TNFAIP3 c.1811C>T variant is predicted to result in the amino acid substitution p.Thr604Met. To our knowledge, this variant has not been reported in the literature. This variant is reported in 0.0054% of alleles in individuals of East Asian descent in gnomAD. At this time, the clinical significance of this variant is uncertain due to the absence of conclusive functional and genetic evidence.

NM_001270508.2(TNFAIP3):c.1811C>T (p.Thr604Met)

Gene: TNFAIP3 (TNF alpha induced protein 3; plus strand). Cytogenetic location: 6q23.3.
Variant type: single nucleotide variant.
Coding change: c.1811C>T on transcript NM_001270508.2 (MANE Select); coding-DNA position 1811, C replaced by T.
Protein change: p.Thr604Met; replaces threonine 604 with methionine.
Molecular consequence: missense variant.
Genome position (GRCh38, 1-based): chr6:137,879,256, C>T. VCF-style: chr6-137879256-C-T. GRCh37 (hg19) VCF-style: chr6-138200393-C-T.
Other names: c.1811C>T, p.Thr604Met (NM_001270507.2, NM_006290.4); c.1811C>T (NM_006290.3); short protein forms T604M.
Identifiers: ClinVar variation 1909809 (VCV001909809.6), dbSNP rs564646155, ClinGen allele CA4019716.
Genomic context (GRCh38, chr6:137,879,256, plus strand): 5'-ACGACGCCCCTGCTGGCTGCCTGTCTCAAGCTGCACGGACTCCTGGGGACAGGACGGGGA[C>T]GAGCAAGTGCAGAAAAGCCGGCTGCGTGTATTTTGGGACTCCAGAAAACAAGGGCTTTTG-3'
Protein context (NP_001257437.1, residues 594-614): AARTPGDRTG[Thr604Met]SKCRKAGCVY